The following is an entry in ClinVar:

NM_000321.3(RB1):c.1310G>C (p.Gly437Ala)

Gene: RB1 (RB transcriptional corepressor 1; plus strand). Cytogenetic location: 13q14.2.
Variant type: single nucleotide variant.
Coding change: c.1310G>C on transcript NM_000321.3 (MANE Select); coding-DNA position 1310, G replaced by C.
Protein change: p.Gly437Ala; replaces glycine 437 with alanine.
Molecular consequence: missense variant.
Genome position (GRCh38, 1-based): chr13:48,377,012, G>C. VCF-style: chr13-48377012-G-C. GRCh37 (hg19) VCF-style: chr13-48951148-G-C.
Other names: c.1310G>C, p.Gly437Ala (NM_001407165.1, NM_001407166.1); short protein forms G437A.
Identifiers: ClinVar variation 1769656 (VCV001769656.3), dbSNP rs1952832211, ClinGen allele CA388162147.

ClinVar aggregate classification (germline): Uncertain significance (1 of 4 stars; one submission).

Conditions:
Hereditary cancer-predisposing syndrome. Also called: Hereditary Cancer Syndrome; Hereditary neoplastic syndrome; Neoplastic Syndromes, Hereditary; Tumor predisposition. Identifiers: Orphanet 140162, MedGen C0027672, MeSH D009386, MONDO:0015356.

Submission:

Ambry Genetics
Classification: Uncertain significance for Hereditary cancer-predisposing syndrome. Last evaluated: 2025-09-11. Review status: criteria provided, single submitter. Criteria: Ambry Variant Classification Scheme 2023. Collection method: clinical testing. Allele origin: germline.
Comment: The p.G437A variant (also known as c.1310G>C), located in coding exon 13 of the RB1 gene, results from a G to C substitution at nucleotide position 1310. The glycine at codon 437 is replaced by alanine, an amino acid with similar properties. This amino acid position is conserved. In addition, this alteration is predicted to be tolerated by in silico analysis. Based on the available evidence, the clinical significance of this variant remains unclear.